The following is an entry in ClinVar:

NM_022100.3(MRPS14):c.282G>A (p.Thr94=)

Gene: MRPS14 (mitochondrial ribosomal protein S14; minus strand). Cytogenetic location: 1q25.1.
Variant type: single nucleotide variant.
Coding change: c.282G>A on transcript NM_022100.3 (MANE Select); coding-DNA position 282, G replaced by A.
Protein change: p.Thr94=; no amino-acid change (threonine 94 retained).
Molecular consequence: synonymous variant. On other transcripts: non-coding transcript variant (1).
Genome position (GRCh38, 1-based): chr1:175,014,774, C>T on the plus strand (G>A on the coding strand, the complement: MRPS14 is on the minus strand). VCF-style: chr1-175014774-C-T. GRCh37 (hg19) VCF-style: chr1-174983910-C-T.
Other names: c.282G>A (NM_022100.2).
Identifiers: ClinVar variation 1549714 (VCV001549714.10), dbSNP rs7540560, ClinGen allele CA1253643.

ClinVar aggregate classification (germline): Likely benign. Review status: criteria provided, single submitter (1 of 4 stars). 2 submissions from 2 submitters: Likely benign (1). 1 of the submissions does not count toward it. Last evaluated 2025-10-13.

Conditions:
MRPS14-related disorder. Also called: MRPS14-related condition.

Allele frequency attached by ClinVar (database versions not stated): gnomAD exomes 0.00004 and 0.00016; ExAC 0.00021; ESP Exome Variant Server 0.00038; gnomAD 0.00057 and 0.00063; 1000 Genomes Project 0.00060; 1000 Genomes Project 30x 0.00062; TOPMed 0.00065.

Submissions (2):

Labcorp Genetics (formerly Invitae), Labcorp
Classification: Likely benign. Last evaluated: 2025-10-13. Review status: criteria provided, single submitter. Criteria: Invitae Variant Classification Sherloc (09022015). Collection method: clinical testing. Allele origin: germline.

PreventionGenetics, part of Exact Sciences
Classification: Likely benign for MRPS14-related condition. Last evaluated: 2023-09-01. Review status: no assertion criteria provided. Collection method: clinical testing. Allele origin: germline. Not counted in ClinVar's aggregate classification.
Comment: This variant is classified as likely benign based on ACMG/AMP sequence variant interpretation guidelines (Richards et al. 2015 PMID: 25741868, with internal and published modifications).